The following is an entry in ClinVar:

ClinVar aggregate classification (germline): Uncertain significance (1 of 4 stars; one submission).

Allele frequency attached by ClinVar (database versions not stated): gnomAD exomes 0.00001; TOPMed 0.00002 and 0.00005; gnomAD 0.00001; ExAC 0.00001.

Submission:

GeneDx
Classification: Uncertain significance. Last evaluated: 2014-04-08. Review status: criteria provided, single submitter. Criteria: GeneDx Variant Classification (06012015). Collection method: clinical testing. Allele origin: germline. Affected: yes.
Comment: p.Glu133Gly (GAG>GGG): c.398 A>G in exon 2 of the ALDH1B1 gene (NM_000692.4). The E133G variant has not been published as a mutation, nor has it been reported as a benign polymorphism to our knowledge. The E133G variant is a non-conservative amino acid substitution, which is likely to impact secondary protein structure as these residues differ in polarity, charge, size and/or other properties. This substitution occurs at a position that is conserved across species. In silico analysis is inconsistent in its predictions as to whether or not the variant is damaging to the protein structure/function. Therefore, based on the currently available information, it is unclear whether this variant is a pathogenic mutation or a rare benign variant. The variant is found in MITONUC-MITOP panel(s).

NM_000692.5(ALDH1B1):c.398A>G (p.Glu133Gly)

Gene: ALDH1B1 (aldehyde dehydrogenase 1 family member B1; plus strand). Cytogenetic location: 9p13.1.
Variant type: single nucleotide variant.
Coding change: c.398A>G on transcript NM_000692.5 (MANE Select); coding-DNA position 398, A replaced by G.
Protein change: p.Glu133Gly; replaces glutamic acid 133 with glycine.
Molecular consequence: missense variant.
Genome position (GRCh38, 1-based): chr9:38,396,146, A>G. VCF-style: chr9-38396146-A-G. GRCh37 (hg19) VCF-style: chr9-38396143-A-G.
Other names: p.E133G:GAG>GGG; short protein forms E133G.
Identifiers: ClinVar variation 214109 (VCV000214109.2), dbSNP rs745913809, ClinGen allele CA324398.
Genomic context (GRCh38, chr9:38,396,146, plus strand): 5'-AGCGGGATCGAGTCTACTTGGCCTCACTCGAGACCTTGGACAATGGGAAGCCTTTCCAAG[A>G]GTCTTACGCCTTGGACTTGGATGAGGTCATCAAGGTGTATCGGTACTTTGCTGGCTGGGC-3'
Protein context (NP_000683.3, residues 123-143): ETLDNGKPFQ[Glu133Gly]SYALDLDEVI